The following is an entry in ClinVar:

NM_001457.4(FLNB):c.4174C>A (p.Pro1392Thr)

Gene: FLNB (filamin B; plus strand). Cytogenetic location: 3p14.3.
Variant type: single nucleotide variant.
Coding change: c.4174C>A on transcript NM_001457.4 (MANE Select); coding-DNA position 4174, C replaced by A.
Protein change: p.Pro1392Thr; replaces proline 1392 with threonine.
Molecular consequence: missense variant.
Genome position (GRCh38, 1-based): chr3:58,126,714, C>A. VCF-style: chr3-58126714-C-A. GRCh37 (hg19) VCF-style: chr3-58112441-C-A.
Other names: c.4174C>A, p.Pro1392Thr (NM_001164317.2, NM_001164318.2, NM_001164319.2); short protein forms P1392T.
Identifiers: ClinVar variation 1486869 (VCV001486869.8), dbSNP rs968400677, ClinGen allele CA75450619.
Genomic context (GRCh38, chr3:58,126,714, plus strand): 5'-AAGATAAATTGCAGAGACAACAAGGATGGCAGCTGCAGTGCTGAGTACATTCCTTTCGCA[C>A]CGGGGGATTACGATGTTAATATCACATATGGAGGAGCCCACATCCCCGGTGAGCTATTCC-3'
Protein context (NP_001448.2, residues 1382-1402): SCSAEYIPFA[Pro1392Thr]GDYDVNITYG

ClinVar aggregate classification (germline): Uncertain significance (1 of 4 stars; one submission).

Allele frequency attached by ClinVar (database versions not stated): TOPMed below 0.00001; gnomAD 0.00001.
gnomAD v4.1: 3 of 1,613,766 alleles (0.00019%); highest among the groups gnomAD compares: Non-Finnish European, 0.00025%; no homozygotes.

Submission:

Labcorp Genetics (formerly Invitae), Labcorp
Classification: Uncertain significance. Last evaluated: 2026-01-22. Review status: criteria provided, single submitter. Criteria: Invitae Variant Classification Sherloc (09022015). Collection method: clinical testing. Allele origin: germline.
Comment: This sequence change replaces proline, which is neutral and non-polar, with threonine, which is neutral and polar, at codon 1392 of the FLNB protein (p.Pro1392Thr). This variant is not present in population databases (gnomAD no frequency). This variant has not been reported in the literature in individuals affected with FLNB-related conditions. ClinVar contains an entry for this variant (Variation ID: 1486869). Invitae Evidence Modeling of protein sequence and biophysical properties (such as structural, functional, and spatial information, amino acid conservation, physicochemical variation, residue mobility, and thermodynamic stability) indicates that this missense variant is not expected to disrupt FLNB protein function with a negative predictive value of 95%. In summary, the available evidence is currently insufficient to determine the role of this variant in disease. Therefore, it has been classified as a Variant of Uncertain Significance.